The following is an entry in ClinVar:

ClinVar aggregate classification (germline): Uncertain significance. Review status: criteria provided, multiple submitters, no conflicts (2 of 4 stars). 5 submissions from 5 submitters: Uncertain significance (5). Last evaluated 2025-04-01.

Conditions:
Cardiovascular phenotype. Identifiers: MedGen CN230736.
Hypertrophic cardiomyopathy. Also called: HYPERTROPHIC MYOCARDIOPATHY. Identifiers: Orphanet 217569, MedGen C0007194, MeSH D002312, MONDO:0005045, HP:0001639.
Cardiomyopathy (CMYO). Also called: Cardiomyopathies. Identifiers: Orphanet 167848, MedGen C0878544, MONDO:0004994, HP:0001638. Inheritance: Various modes of inheritance.

Allele frequency attached by ClinVar (database versions not stated): gnomAD exomes 0.00001; TOPMed 0.00001.
gnomAD v4.1: 11 of 1,582,624 alleles (0.0007%); highest among the groups gnomAD compares: East Asian, 0.0023%; no homozygotes.

Submissions (5):

Color Diagnostics, LLC DBA Color Health
Classification: Uncertain significance for Cardiomyopathy. Last evaluated: 2025-04-01. Review status: criteria provided, single submitter. Criteria: ACMG Guidelines, 2015. Collection method: clinical testing. Allele origin: germline.
Comment: This missense variant replaces arginine with cysteine at codon 589 of the MYBPC3 protein. Computational prediction suggests that this variant may have a deleterious impact on protein structure and function. To our knowledge, functional studies have not been reported for this variant. This variant has been reported in at least three individuals affected with hypertrophic cardiomyopathy (PMID: 25351510, 28408708, 37652022). This variant has been identified in 2/200544 chromosomes in the general population by the Genome Aggregation Database (gnomAD). The available evidence is insufficient to determine the role of this variant in disease conclusively. Therefore, this variant is classified as a Variant of Uncertain Significance.

Labcorp Genetics (formerly Invitae), Labcorp
Classification: Uncertain significance for Hypertrophic cardiomyopathy. Last evaluated: 2024-09-08. Review status: criteria provided, single submitter. Criteria: Invitae Variant Classification Sherloc (09022015). Collection method: clinical testing. Allele origin: germline.
Comment: This sequence change replaces arginine, which is basic and polar, with cysteine, which is neutral and slightly polar, at codon 589 of the MYBPC3 protein (p.Arg589Cys). This variant is present in population databases (no rsID available, gnomAD 0.002%). This missense change has been observed in individual(s) with hypertrophic cardiomyopathy (PMID: 25351510, 28408708, 28790153, 37652022). ClinVar contains an entry for this variant (Variation ID: 520358). An algorithm developed to predict the effect of missense changes on protein structure and function (PolyPhen-2) suggests that this variant is likely to be disruptive. This variant disrupts the p.Arg589 amino acid residue in MYBPC3. Other variant(s) that disrupt this residue have been observed in individuals with MYBPC3-related conditions (PMID: 27476098, 30105547), which suggests that this may be a clinically significant amino acid residue. In summary, the available evidence is currently insufficient to determine the role of this variant in disease. Therefore, it has been classified as a Variant of Uncertain Significance.

All of Us Research Program, National Institutes of Health
Classification: Uncertain significance for Hypertrophic cardiomyopathy. Last evaluated: 2023-12-01. Review status: criteria provided, single submitter. Criteria: ACMG Guidelines, 2015. Collection method: clinical testing. Allele origin: germline. Inheritance: Autosomal dominant inheritance. Observed: 2 variant alleles, 2 heterozygotes.
Comment: This missense variant replaces arginine with cysteine at codon 589 of the MYBPC3 protein. Computational prediction suggests that this variant may have a deleterious impact on protein structure and function (internally defined REVEL score threshold >= 0.7, PMID: 27666373). To our knowledge, functional studies have not been reported for this variant. This variant has been reported in at least 2 individuals affected with hypertrophic cardiomyopathy (PMID: 25351510, 28408708). This variant has been identified in 2/200544 chromosomes in the general population by the Genome Aggregation Database (gnomAD). The available evidence is insufficient to determine the role of this variant in disease conclusively. Therefore, this variant is classified as a Variant of Uncertain Significance.

This study involves interpretation of variants in research participants for the purpose of population health screening. Participant phenotype was not available at the time of variant classification. Additional details can be found in publication PMID: 35346344, PMCID: PMC8962531

GeneDx
Classification: Uncertain significance. Last evaluated: 2021-01-14. Review status: criteria provided, single submitter. Criteria: GeneDx Variant Classification Process June 2021. Collection method: clinical testing. Allele origin: germline. Affected: yes.
Comment: Identified in patients with HCM in the published literature; however, at least one individual harbored an additional cardiogenetic variant (Lopes et al., 2015; Burns et al., 2017); Not observed at a significant frequency in large population cohorts (Lek et al., 2016); In silico analysis, which includes protein predictors and evolutionary conservation, supports a deleterious effect; Reported in ClinVar as a variant of uncertain significance (ClinVar Variant ID# 520358; Landrum et al., 2016); This variant is associated with the following publications: (PMID: 28790153, 25351510)

Ambry Genetics
Classification: Uncertain significance for Cardiovascular phenotype. Last evaluated: 2017-05-30. Review status: criteria provided, single submitter. Criteria: Ambry Variant Classification Scheme 2023. Collection method: clinical testing. Allele origin: germline.
Comment: The p.R589C variant (also known as c.1765C>T), located in coding exon 18 of the MYBPC3 gene, results from a C to T substitution at nucleotide position 1765. The arginine at codon 589 is replaced by cysteine, an amino acid with highly dissimilar properties. This alteration has been reported in two hypertrophic cardiomyopathy (HCM) cohorts; however, clinical details were limited (Lopes LR et al. Heart. 2015;101:294-301; Ingles J et al. Circ Cardiovasc Genet. 2017;10(2):e001620). Based on data from gnomAD, the T allele was reported in 2 of 197602 (0.001%) total alleles. This amino acid position is highly conserved in available vertebrate species. In addition, this alteration is predicted to be deleterious by in silico analysis. Since supporting evidence is limited at this time, the clinical significance of this alteration remains unclear.

Literature cited by the submitters: PubMed 25351510 (cited by 4 submitters); PubMed 28408708 (cited by 4 submitters); PubMed 37652022 (cited by Color Diagnostics, LLC DBA Color Health and Labcorp Genetics (formerly Invitae), Labcorp); PubMed 28790153 (cited by Labcorp Genetics (formerly Invitae), Labcorp); PubMed 27476098 (cited by Labcorp Genetics (formerly Invitae), Labcorp); PubMed 30105547 (cited by Labcorp Genetics (formerly Invitae), Labcorp).

NM_000256.3(MYBPC3):c.1765C>T (p.Arg589Cys)

Gene: MYBPC3 (myosin binding protein C3; minus strand). Cytogenetic location: 11p11.2.
Variant type: single nucleotide variant.
Coding change: c.1765C>T on transcript NM_000256.3 (MANE Select); coding-DNA position 1765, C replaced by T.
Protein change: p.Arg589Cys; replaces arginine 589 with cysteine.
Molecular consequence: missense variant.
Genome position (GRCh38, 1-based): chr11:47,342,016, G>A on the plus strand (C>T on the coding strand, the complement: MYBPC3 is on the minus strand). VCF-style: chr11-47342016-G-A. GRCh37 (hg19) VCF-style: chr11-47363567-G-A.
Other names: c.1765C>T, p.Arg589Cys (LRG_386t1); short protein forms R589C.
Identifiers: ClinVar variation 520358 (VCV000520358.17), dbSNP rs1329919535, ClinGen allele CA380324201.